The following is an entry in ClinVar:

ClinVar aggregate classification (germline): Uncertain significance. Review status: criteria provided, multiple submitters, no conflicts (2 of 4 stars). 2 submissions from 2 submitters: Uncertain significance (2). Last evaluated 2025-02-08.

Conditions:
Colorectal cancer, hereditary nonpolyposis, type 7. Identifiers: Orphanet 144, MedGen C1858380, MONDO:0013725, OMIM 614385.

Allele frequency attached by ClinVar (database versions not stated): ExAC 0.00001; gnomAD exomes 0.00001.
gnomAD v4.1: 2 of 1,614,076 alleles (0.00012%); highest among the groups gnomAD compares: Admixed American, 0.0033%; no homozygotes.

Submissions (2):

Ambry Genetics
Classification: Uncertain significance. Last evaluated: 2025-02-08. Review status: criteria provided, single submitter. Criteria: Ambry Variant Classification Scheme 2023. Collection method: clinical testing. Allele origin: germline.
Comment: The p.Q350P variant (also known as c.1049A>C), located in coding exon 1 of the MLH3 gene, results from an A to C substitution at nucleotide position 1049. The glutamine at codon 350 is replaced by proline, an amino acid with similar properties. This amino acid position is conserved. In addition, the in silico prediction for this alteration is inconclusive. Since supporting evidence is limited at this time, the clinical significance of this alteration remains unclear.

Labcorp Genetics (formerly Invitae), Labcorp
Classification: Uncertain significance for Colorectal cancer, hereditary nonpolyposis, type 7. Last evaluated: 2021-08-03. Review status: criteria provided, single submitter. Criteria: Invitae Variant Classification Sherloc (09022015). Collection method: clinical testing. Allele origin: germline.
Comment: Algorithms developed to predict the effect of missense changes on protein structure and function (SIFT, PolyPhen-2, Align-GVGD) all suggest that this variant is likely to be tolerated. This sequence change replaces glutamine with proline at codon 350 of the MLH3 protein (p.Gln350Pro). The glutamine residue is weakly conserved and there is a moderate physicochemical difference between glutamine and proline. This variant is present in population databases (rs770643186, ExAC 0.009%). This variant has not been reported in the literature in individuals affected with MLH3-related conditions. In summary, the available evidence is currently insufficient to determine the role of this variant in disease. Therefore, it has been classified as a Variant of Uncertain Significance.

NM_001040108.2(MLH3):c.1049A>C (p.Gln350Pro)

Gene: MLH3 (mutL homolog 3; minus strand). Cytogenetic location: 14q24.3.
Variant type: single nucleotide variant.
Coding change: c.1049A>C on transcript NM_001040108.2 (MANE Select); coding-DNA position 1049, A replaced by C.
Protein change: p.Gln350Pro; replaces glutamine 350 with proline.
Molecular consequence: missense variant.
Genome position (GRCh38, 1-based): chr14:75,048,607, T>G on the plus strand (A>C on the coding strand, the complement: MLH3 is on the minus strand). VCF-style: chr14-75048607-T-G. GRCh37 (hg19) VCF-style: chr14-75515310-T-G.
Other names: c.1049A>C, p.Gln350Pro (NM_014381.3); short protein forms Q350P.
Identifiers: ClinVar variation 1401174 (VCV001401174.11), dbSNP rs770643186, ClinGen allele CA7275929.